The following is an entry in ClinVar:

NM_006031.6(PCNT):c.7321-10C>T

Gene: PCNT (pericentrin; plus strand). Cytogenetic location: 21q22.3.
Variant type: single nucleotide variant.
Coding change: c.7321-10C>T on transcript NM_006031.6 (MANE Select); 10 bases into the intron before coding-DNA position 7321, C replaced by T.
Molecular consequence: intron variant.
Genome position (GRCh38, 1-based): chr21:46,427,612, C>T. VCF-style: chr21-46427612-C-T. GRCh37 (hg19) VCF-style: chr21-47847526-C-T.
Other names: c.6967-10C>T (NM_001315529.2).
Identifiers: ClinVar variation 159655 (VCV000159655.10), dbSNP rs587784318, ClinGen allele CA251105.

ClinVar aggregate classification (germline): Conflicting classifications of pathogenicity. Review status: criteria provided, conflicting classifications (1 of 4 stars). 3 submissions from 3 submitters: Uncertain significance (1); Likely benign (2). Last evaluated 2026-02-22.

Conditions:
PCNT-related disorder. Also called: PCNT-related condition.
Microcephalic osteodysplastic primordial dwarfism type II (MOPD2). Also called: Microcephalic osteodysplastic primordial dwarfism with tooth abnormalities; MOPD II; OSTEODYSPLASTIC PRIMORDIAL DWARFISM, TYPE II. Identifiers: Orphanet 2637, MedGen C0432246, MONDO:0008872, OMIM 210720.

Allele frequency attached by ClinVar (database versions not stated): ExAC 0.00001; gnomAD 0.00001; gnomAD exomes 0.00001 and 0.00002; TOPMed 0.00001.
gnomAD v4.1: 33 of 1,613,770 alleles (0.002%); highest among the groups gnomAD compares: Non-Finnish European, 0.0026%; no homozygotes.

Submissions (3):

PreventionGenetics, part of Exact Sciences
Classification: Likely benign for PCNT-related condition. Last evaluated: 2026-02-22. Review status: criteria provided, single submitter. Criteria: ACMG Guidelines, 2015. Collection method: clinical testing. Allele origin: germline.
Comment: This variant is classified as likely benign based on ACMG/AMP sequence variant interpretation guidelines (Richards et al. 2015 PMID: 25741868, with internal and published modifications).

Labcorp Genetics (formerly Invitae), Labcorp
Classification: Likely benign. Last evaluated: 2024-01-25. Review status: criteria provided, single submitter. Criteria: Invitae Variant Classification Sherloc (09022015). Collection method: clinical testing. Allele origin: germline.

Genetic Services Laboratory, University of Chicago
Classification: Uncertain significance for Microcephalic osteodysplastic primordial dwarfism, type II. Last evaluated: 2014-07-09. Review status: criteria provided, single submitter. Criteria: ACMG Guidelines, 2015. Collection method: clinical testing. Allele origin: germline. Inheritance: Autosomal recessive inheritance.